The following is an entry in ClinVar:

NM_001103146.3(GIGYF2):c.15G>T (p.Thr5=)

Gene: GIGYF2 (GRB10 interacting GYF protein 2; plus strand). Cytogenetic location: 2q37.1.
Variant type: single nucleotide variant.
Coding change: c.15G>T on transcript NM_001103146.3 (MANE Select); coding-DNA position 15, G replaced by T.
Protein change: p.Thr5=; no amino-acid change (threonine 5 retained).
Molecular consequence: synonymous variant. On other transcripts: non-coding transcript variant (4).
Genome position (GRCh38, 1-based): chr2:232,735,212, G>T. VCF-style: chr2-232735212-G-T. GRCh37 (hg19) VCF-style: chr2-233599922-G-T.
Other names: c.15G>T, p.Thr5= (NM_001103147.2, NM_001103148.2, NM_015575.4).
Identifiers: ClinVar variation 3905526 (VCV003905526.10).

ClinVar aggregate classification (germline): Likely benign (1 of 4 stars; one submission).

gnomAD v4.1: 18 of 1,608,142 alleles (0.0011%); highest among the groups gnomAD compares: Middle Eastern, 0.016%; no homozygotes.

Submission:

CeGaT Center for Human Genetics Tuebingen
Classification: Likely benign. Last evaluated: 2025-06-01. Review status: criteria provided, single submitter. Criteria: CeGaT Center For Human Genetics Tuebingen Variant Classification Criteria Version 2. Collection method: clinical testing. Allele origin: germline. Affected: yes. Observed: 1 variant allele.
Comment: GIGYF2: BP4, BP7